The following is an entry in ClinVar:

ClinVar aggregate classification (germline): Likely benign. Review status: criteria provided, multiple submitters, no conflicts (2 of 4 stars). 2 submissions from 2 submitters: Likely benign (2). Last evaluated 2026-08-03.

Conditions:
ITSN2-related disorder. Also called: ITSN2-related condition.

Allele frequency attached by ClinVar (database versions not stated): ExAC 0.00001; gnomAD exomes 0.00001; gnomAD 0.00002; TOPMed 0.00004; ESP Exome Variant Server 0.00008.
gnomAD v4.1: 12 of 1,613,450 alleles (0.00074%); highest among the groups gnomAD compares: African/African-American, 0.012%; no homozygotes.

Submissions (2):

PreventionGenetics, part of Exact Sciences
Classification: Likely benign for ITSN2-related condition. Last evaluated: 2026-08-03. Review status: criteria provided, single submitter. Criteria: ACMG Guidelines, 2015. Collection method: clinical testing. Allele origin: germline.
Comment: This variant is classified as likely benign based on ACMG/AMP sequence variant interpretation guidelines (Richards et al. 2015 PMID: 25741868, with internal and published modifications).

Labcorp Genetics (formerly Invitae), Labcorp
Classification: Likely benign. Last evaluated: 2023-09-09. Review status: criteria provided, single submitter. Criteria: Invitae Variant Classification Sherloc (09022015). Collection method: clinical testing. Allele origin: germline.

NM_006277.3(ITSN2):c.3189A>G (p.Ala1063=)

Gene: ITSN2 (intersectin 2; minus strand). Cytogenetic location: 2p23.3.
Variant type: single nucleotide variant.
Coding change: c.3189A>G on transcript NM_006277.3 (MANE Select); coding-DNA position 3189, A replaced by G.
Protein change: p.Ala1063=; no amino-acid change (alanine 1063 retained).
Molecular consequence: synonymous variant.
Genome position (GRCh38, 1-based): chr2:24,248,728, T>C on the plus strand (A>G on the coding strand, the complement: ITSN2 is on the minus strand). VCF-style: chr2-24248728-T-C. GRCh37 (hg19) VCF-style: chr2-24471597-T-C.
Other names: c.3147A>G, p.Ala1049= (NM_001348181.2); c.3069A>G, p.Ala1023= (NM_001348182.2, NM_001348186.2); c.3108A>G, p.Ala1036= (NM_001348183.2, NM_019595.4); c.3066A>G, p.Ala1022= (NM_001348184.2); c.3150A>G, p.Ala1050= (NM_001348185.2); c.3189A>G, p.Ala1063= (NM_147152.3); c.3189A>G (NM_006277.2).
Identifiers: ClinVar variation 2892400 (VCV002892400.4), dbSNP rs375106887, ClinGen allele CA1550975.